The following is an entry in ClinVar:

NM_032043.3(BRIP1):c.2602A>G (p.Ile868Val)

Gene: BRIP1 (BRCA1 interacting DNA helicase 1; minus strand). Cytogenetic location: 17q23.2.
Variant type: single nucleotide variant.
Coding change: c.2602A>G on transcript NM_032043.3 (MANE Select); coding-DNA position 2602, A replaced by G.
Protein change: p.Ile868Val; replaces isoleucine 868 with valine.
Molecular consequence: missense variant.
Genome position (GRCh38, 1-based): chr17:61,686,139, T>C on the plus strand (A>G on the coding strand, the complement: BRIP1 is on the minus strand). VCF-style: chr17-61686139-T-C. GRCh37 (hg19) VCF-style: chr17-59763500-T-C.
Other names: short protein forms I868V.
Identifiers: ClinVar variation 1793693 (VCV001793693.2), dbSNP rs2544574498, ClinGen allele CA400481965.

ClinVar aggregate classification (germline): Uncertain significance (1 of 4 stars; one submission).

Conditions:
Hereditary cancer-predisposing syndrome. Also called: Tumor predisposition; Hereditary Cancer Syndrome; Neoplastic Syndromes, Hereditary; Hereditary neoplastic syndrome. Identifiers: Orphanet 140162, MedGen C0027672, MeSH D009386, MONDO:0015356.

Submission:

Ambry Genetics
Classification: Uncertain significance for Hereditary cancer-predisposing syndrome. Last evaluated: 2022-06-02. Review status: criteria provided, single submitter. Criteria: Ambry Variant Classification Scheme 2023. Collection method: clinical testing. Allele origin: germline.
Comment: The p.I868V variant (also known as c.2602A>G), located in coding exon 18 of the BRIP1 gene, results from an A to G substitution at nucleotide position 2602. The isoleucine at codon 868 is replaced by valine, an amino acid with highly similar properties. This amino acid position is conserved. In addition, this alteration is predicted to be tolerated by in silico analysis. Since supporting evidence is limited at this time, the clinical significance of this alteration remains unclear.